The following is an entry in ClinVar:

NM_000155.4(GALT):c.40_41insT (p.Ala14fs)

Gene: GALT (galactose-1-phosphate uridylyltransferase; plus strand). Cytogenetic location: 9p13.3.
Variant type: Insertion.
Coding change: c.40_41insT on transcript NM_000155.4 (MANE Select); coding-DNA positions 40 to 41, T inserted.
Protein change: p.Ala14fs; shifts the reading frame from alanine 14.
Molecular consequence: frameshift variant. On other transcripts: 5 prime UTR variant (1).
Genome position: GRCh38 VCF-style: chr9-34646744-G-GT. GRCh37 (hg19) VCF-style: chr9-34646741-G-GT.
Other names: c.-163_-162insT (NM_001258332.2); short protein forms A14fs.
Identifiers: ClinVar variation 1355405 (VCV001355405.5), dbSNP rs1821111380, ClinGen allele CA1845634752.
Genomic context (GRCh38, chr9:34,646,744, plus strand): 5'-AGCGGATCCCCCGGTGGCCTCATGTCGCGCAGTGGAACCGATCCTCAGCAACGCCAGCAG[G>GT]CGTCAGAGGCGGACGCCGCAGCAGCAACCTTCCGGGCAAACGGTAACTGCACCGCGGCAG-3'

ClinVar aggregate classification (germline): Pathogenic (1 of 4 stars; one submission).

Conditions:
Deficiency of UDPglucose-hexose-1-phosphate uridylyltransferase. Also called: GALACTOSE-1-PHOSPHATE URIDYLYLTRANSFERASE DEFICIENCY; GALACTOSEMIA I; Transferase Deficiency Galactosemia; GALT deficiency; Galactosemia, classic. Identifiers: Orphanet 352, Orphanet 79239, MedGen C0268151, MONDO:0009258, OMIM 230400.

Allele frequency attached by ClinVar (database versions not stated): gnomAD exomes below 0.00001.

Submission:

Labcorp Genetics (formerly Invitae), Labcorp
Classification: Pathogenic for Deficiency of UDPglucose-hexose-1-phosphate uridylyltransferase. Last evaluated: 2023-01-08. Review status: criteria provided, single submitter. Criteria: Invitae Variant Classification Sherloc (09022015). Collection method: clinical testing. Allele origin: germline.
Comment: This sequence change creates a premature translational stop signal (p.Ala14Valfs*27) in the GALT gene. It is expected to result in an absent or disrupted protein product. Loss-of-function variants in GALT are known to be pathogenic (PMID: 22944367). This variant is not present in population databases (gnomAD no frequency). This variant has not been reported in the literature in individuals affected with GALT-related conditions. ClinVar contains an entry for this variant (Variation ID: 1355405). For these reasons, this variant has been classified as Pathogenic.

Literature cited by the submitters: PubMed 22944367.